The following is an entry in ClinVar:

NM_004006.3(DMD):c.6408G>A (p.Trp2136Ter)

Gene: DMD (dystrophin; minus strand). Cytogenetic location: Xp21.1.
Variant type: single nucleotide variant.
Coding change: c.6408G>A on transcript NM_004006.3 (MANE Select); coding-DNA position 6408, G replaced by A.
Protein change: p.Trp2136Ter; replaces tryptophan 2136 with a stop codon.
Molecular consequence: nonsense.
Genome position (GRCh38, 1-based): chrX:32,216,946, C>T on the plus strand (G>A on the coding strand, the complement: DMD is on the minus strand). VCF-style: chrX-32216946-C-T. GRCh37 (hg19) VCF-style: chrX-32235063-C-T.
Other names: c.6384G>A, p.Trp2128Ter (NM_000109.4); c.6396G>A, p.Trp2132Ter (NM_004009.3); c.6039G>A, p.Trp2013Ter (NM_004010.3); c.2385G>A, p.Trp795Ter (NM_004011.4); c.2376G>A, p.Trp792Ter (NM_004012.4); short protein forms W2136*, W2128*, W792*, W795*, W2013*, W2132*.
Identifiers: ClinVar variation 526076 (VCV000526076.11), dbSNP rs1557218131, ClinGen allele CA412660535.
Genomic context (GRCh38, chrX:32,216,946, plus strand): 5'-CAATTTCGAAAAAACAAATCAAAGACTTACCTTAAGATACCATTTGTATTTAGCATGTTC[C>T]CAATTCTCAGGAATTTGTGTCTTTCTGAGAAACTGTTCAGCTTCTGTTAGCCACTGATTA-3'

ClinVar aggregate classification (germline): Pathogenic. Review status: criteria provided, multiple submitters, no conflicts (2 of 4 stars). 2 submissions from 2 submitters: Pathogenic (2). Last evaluated 2023-02-14.

Conditions:
Neuromuscular disease caused by qualitative or quantitative defects of dystrophin. Also called: Qualitative or quantitative defects of dystrophin. Identifiers: Orphanet 207085, MedGen C5679787, MONDO:0016147.
Duchenne muscular dystrophy (DMD). Also called: Duchenne Muscular Dystrophy (DMD); MUSCULAR DYSTROPHY, PSEUDOHYPERTROPHIC PROGRESSIVE, DUCHENNE TYPE. Identifiers: Orphanet 98896, MedGen C0013264, MONDO:0010679, OMIM 310200.

Submissions (2):

Women's Health and Genetics/Laboratory Corporation of America, LabCorp
Classification: Pathogenic for Neuromuscular disease caused by qualitative or quantitative defects of dystrophin. Last evaluated: 2023-02-14. Review status: criteria provided, single submitter. Criteria: LabCorp Variant Classification Summary - May 2015. Collection method: clinical testing. Allele origin: germline.
Comment: Variant summary: DMD c.6408G>A (p.Trp2136X) results in a premature termination codon, predicted to cause a truncation of the encoded protein or absence of the protein due to nonsense mediated decay, which are commonly known mechanisms for disease. Truncations downstream of this position have been classified as pathogenic by our laboratory. The variant was absent in 181313 control chromosomes. c.6408G>A has been reported in the literature in individuals affected with Duchenne Muscular Dystrophy or suspected of having the disease (Bai_2016, Xiao_2021). These data indicate that the variant may be associated with disease. To our knowledge, no experimental evidence demonstrating an impact on protein function has been reported. Two submitters have provided clinical-significance assessments for this variant to ClinVar after 2014, and both classified the variant as pathogenic. Based on the evidence outlined above, the variant was classified as pathogenic.

Labcorp Genetics (formerly Invitae), Labcorp
Classification: Pathogenic for Duchenne muscular dystrophy. Last evaluated: 2018-02-23. Review status: criteria provided, single submitter. Criteria: Invitae Variant Classification Sherloc (09022015). Collection method: clinical testing. Allele origin: germline.
Comment: This sequence change creates a premature translational stop signal (p.Trp2136*) in the DMD gene. It is expected to result in an absent or disrupted protein product. This variant is not present in population databases (ExAC no frequency). This variant has been reported in an individual affected with muscular dystrophy (PMID: 27122458). Loss-of-function variants in DMD are known to be pathogenic (PMID: 16770791, 25007885). For these reasons, this variant has been classified as Pathogenic.

Literature cited by the submitters: PubMed 34268379 (cited by Women's Health and Genetics/Laboratory Corporation of America, LabCorp); PubMed 27122458 (cited by Women's Health and Genetics/Laboratory Corporation of America, LabCorp and Labcorp Genetics (formerly Invitae), Labcorp); PubMed 16770791 (cited by Labcorp Genetics (formerly Invitae), Labcorp); PubMed 25007885 (cited by Labcorp Genetics (formerly Invitae), Labcorp).